The following is an entry in ClinVar:

NM_001079802.2(FKTN):c.1333C>G (p.Pro445Ala)

Gene: FKTN (fukutin; plus strand). Cytogenetic location: 9q31.2.
Variant type: single nucleotide variant.
Coding change: c.1333C>G on transcript NM_001079802.2 (MANE Select); coding-DNA position 1333, C replaced by G.
Protein change: p.Pro445Ala; replaces proline 445 with alanine.
Molecular consequence: missense variant. On other transcripts: 3 prime UTR variant (1), non-coding transcript variant (2), intron variant (1).
Genome position (GRCh38, 1-based): chr9:105,635,211, C>G. VCF-style: chr9-105635211-C-G. GRCh37 (hg19) VCF-style: chr9-108397492-C-G.
Other names: c.1333C>G (NM_001079802.1); c.1333C>G, p.Pro445Ala (NM_001351496.2, NM_006731.2); c.1264C>G, p.Pro422Ala (NM_001351497.2); c.*125C>G (NM_001351498.2); c.937C>G, p.Pro313Ala (NM_001351499.2, NM_001351500.2, NM_001351501.2 and 1 more transcripts); c.1270+63C>G (NM_001198963.2); short protein forms P422A, P313A, P445A.
Identifiers: ClinVar variation 1522792 (VCV001522792.4), dbSNP rs781465422, ClinGen allele CA5170612.

ClinVar aggregate classification (germline): Uncertain significance. Review status: criteria provided, multiple submitters, no conflicts (2 of 4 stars). 3 submissions from 3 submitters: Uncertain significance (3). Last evaluated 2023-09-06.

Conditions:
Walker-Warburg congenital muscular dystrophy. Also called: Muscular dystrophy-dystroglycanopathy, type A; Walker-Warburg syndrome. Identifiers: Orphanet 899, MedGen C0265221, MONDO:0000171.
FKTN-related disorder. Also called: FKTN-related disorders; FKTN-related condition.
Cardiovascular phenotype. Identifiers: MedGen CN230736.

Allele frequency attached by ClinVar (database versions not stated): gnomAD exomes 0.00001 and 0.00002; ExAC 0.00002.
gnomAD v4.1: 17 of 1,614,174 alleles (0.0011%); highest among the groups gnomAD compares: Middle Eastern, 0.033%; no homozygotes.

Submissions (3):

PreventionGenetics, part of Exact Sciences
Classification: Uncertain significance for FKTN-related condition. Last evaluated: 2023-09-06. Review status: criteria provided, single submitter. Criteria: ACMG Guidelines, 2015. Collection method: clinical testing. Allele origin: germline.
Comment: The FKTN c.1333C>G variant is predicted to result in the amino acid substitution p.Pro445Ala. To our knowledge, this variant has not been reported in the literature. This variant is reported in 0.0065% of alleles in individuals of South Asian descent in gnomAD. At this time, the clinical significance of this variant is uncertain due to the absence of conclusive functional and genetic evidence.

Ambry Genetics
Classification: Uncertain significance for Cardiovascular phenotype. Last evaluated: 2023-04-14. Review status: criteria provided, single submitter. Criteria: Ambry Variant Classification Scheme 2023. Collection method: clinical testing. Allele origin: germline.
Comment: The p.P445A variant (also known as c.1333C>G), located in coding exon 9 of the FKTN gene, results from a C to G substitution at nucleotide position 1333. The proline at codon 445 is replaced by alanine, an amino acid with highly similar properties. This amino acid position is conserved. In addition, this alteration is predicted to be tolerated by in silico analysis. Since supporting evidence is limited at this time, the clinical significance of this alteration remains unclear.

Labcorp Genetics (formerly Invitae), Labcorp
Classification: Uncertain significance for Walker-Warburg congenital muscular dystrophy. Last evaluated: 2022-07-04. Review status: criteria provided, single submitter. Criteria: Invitae Variant Classification Sherloc (09022015). Collection method: clinical testing. Allele origin: germline.
Comment: This sequence change replaces proline, which is neutral and non-polar, with alanine, which is neutral and non-polar, at codon 445 of the FKTN protein (p.Pro445Ala). This variant is present in population databases (rs781465422, gnomAD 0.006%). This variant has not been reported in the literature in individuals affected with FKTN-related conditions. ClinVar contains an entry for this variant (Variation ID: 1522792). Algorithms developed to predict the effect of missense changes on protein structure and function (SIFT, PolyPhen-2, Align-GVGD) all suggest that this variant is likely to be tolerated. Algorithms developed to predict the effect of sequence changes on RNA splicing suggest that this variant may create or strengthen a splice site. In summary, the available evidence is currently insufficient to determine the role of this variant in disease. Therefore, it has been classified as a Variant of Uncertain Significance.